The following is an entry in ClinVar:

ClinVar aggregate classification (germline): Conflicting classifications of pathogenicity. Review status: criteria provided, conflicting classifications (1 of 4 stars). 4 submissions from 4 submitters: Uncertain significance (3); Likely benign (1). Last evaluated 2026-01-25.

Conditions:
Hereditary cancer-predisposing syndrome. Also called: Neoplastic Syndromes, Hereditary; Hereditary Cancer Syndrome; Hereditary neoplastic syndrome; Tumor predisposition. Identifiers: Orphanet 140162, MedGen C0027672, MeSH D009386, MONDO:0015356.
Hereditary breast ovarian cancer syndrome. Also called: Hereditary breast and ovarian cancer syndrome (HBOC); Hereditary breast and ovarian cancer syndrome; Breast and ovarian cancer; Hereditary breast and/or ovarian cancer syndrome; Hereditary breast and ovarian cancer; BRCA1- and BRCA2-Associated Hereditary Breast and Ovarian Cancer. Identifiers: Orphanet 145, MedGen C0677776, MeSH D061325, MONDO:0003582. Disease mechanism: loss of function.

Submissions (4):

Labcorp Genetics (formerly Invitae), Labcorp
Classification: Uncertain significance for Hereditary breast ovarian cancer syndrome. Last evaluated: 2026-01-25. Review status: criteria provided, single submitter. Criteria: Invitae Variant Classification Sherloc (09022015). Collection method: clinical testing. Allele origin: germline.
Comment: This sequence change replaces asparagine, which is neutral and polar, with histidine, which is basic and polar, at codon 900 of the BRCA2 protein (p.Asn900His). This variant is not present in population databases (gnomAD no frequency). This variant has not been reported in the literature in individuals affected with BRCA2-related conditions. ClinVar contains an entry for this variant (Variation ID: 462273). Invitae Evidence Modeling of protein sequence and biophysical properties (such as structural, functional, and spatial information, amino acid conservation, physicochemical variation, residue mobility, and thermodynamic stability) indicates that this missense variant is not expected to disrupt BRCA2 protein function with a negative predictive value of 95%. In summary, the available evidence is currently insufficient to determine the role of this variant in disease. Therefore, it has been classified as a Variant of Uncertain Significance.

University of Washington Department of Laboratory Medicine, University of Washington
Classification: Likely benign for Hereditary cancer-predisposing syndrome. Last evaluated: 2023-03-23. Review status: criteria provided, single submitter. Criteria: Dines et al. (Genet Med. 2020). Collection method: curation. Allele origin: germline.
Comment: Missense variant in a coldspot region where missense variants are very unlikely to be pathogenic (PMID:31911673).

BRCA2 exon 11 coldspot. Reclassification based on statistical prior probability.

Ambry Genetics
Classification: Uncertain significance for Hereditary cancer-predisposing syndrome. Last evaluated: 2022-07-15. Review status: criteria provided, single submitter. Criteria: Ambry Variant Classification Scheme 2023. Collection method: clinical testing. Allele origin: germline.
Comment: The p.N900H variant (also known as c.2698A>C), located in coding exon 10 of the BRCA2 gene, results from an A to C substitution at nucleotide position 2698. The asparagine at codon 900 is replaced by histidine, an amino acid with similar properties. This amino acid position is poorly conserved in available vertebrate species. In addition, this alteration is predicted to be tolerated by in silico analysis. Since supporting evidence is limited at this time, the clinical significance of this alteration remains unclear.

Color Diagnostics, LLC DBA Color Health
Classification: Uncertain significance for Hereditary cancer-predisposing syndrome. Last evaluated: 2020-01-28. Review status: criteria provided, single submitter. Criteria: ACMG Guidelines, 2015. Collection method: clinical testing. Allele origin: germline.
Comment: This missense variant replaces asparagine with histidine at codon 900 of the BRCA2 protein. Computational prediction suggests that this variant may not impact protein structure and function (internally defined REVEL score threshold <= 0.5, PMID: 27666373). Splice site prediction tools suggest that this variant may not impact RNA splicing. To our knowledge, functional studies have not been performed for this variant. This variant has not been reported in individuals affected with hereditary cancer in the literature. This variant has not been identified in the general population by the Genome Aggregation Database (gnomAD). The available evidence is insufficient to determine the role of this variant in disease conclusively. Therefore, this variant is classified as a Variant of Uncertain Significance.

NM_000059.4(BRCA2):c.2698A>C (p.Asn900His)

Gene: BRCA2 (BRCA2 DNA repair associated; plus strand). Cytogenetic location: 13q13.1.
Variant type: single nucleotide variant.
Coding change: c.2698A>C on transcript NM_000059.4 (MANE Select); coding-DNA position 2698, A replaced by C.
Protein change: p.Asn900His; replaces asparagine 900 with histidine.
Molecular consequence: missense variant.
Genome position (GRCh38, 1-based): chr13:32,337,053, A>C. VCF-style: chr13-32337053-A-C. GRCh37 (hg19) VCF-style: chr13-32911190-A-C.
Other names: short protein forms N900H.
Identifiers: ClinVar variation 462273 (VCV000462273.17), dbSNP rs55736268, ClinGen allele CA387773485.